The following is an entry in ClinVar:

NM_005908.4(MANBA):c.562T>G (p.Phe188Val)

Gene: MANBA (mannosidase beta; minus strand). Cytogenetic location: 4q24.
Variant type: single nucleotide variant.
Coding change: c.562T>G on transcript NM_005908.4 (MANE Select); coding-DNA position 562, T replaced by G.
Protein change: p.Phe188Val; replaces phenylalanine 188 with valine.
Molecular consequence: missense variant.
Genome position (GRCh38, 1-based): chr4:102,714,549, A>C on the plus strand (T>G on the coding strand, the complement: MANBA is on the minus strand). VCF-style: chr4-102714549-A-C. GRCh37 (hg19) VCF-style: chr4-103635706-A-C.
Other names: short protein forms F188V.
Identifiers: ClinVar variation 4074660 (VCV004074660.2).

ClinVar aggregate classification (germline): Conflicting classifications of pathogenicity. Review status: criteria provided, conflicting classifications (1 of 4 stars). 3 submissions from 3 submitters: Likely pathogenic (1); Uncertain significance (2). Last evaluated 2025-12-11.

Conditions:
MANBA-related disorder. Also called: MANBA-related condition.
Beta-D-mannosidosis (MANSB). Also called: MANNOSIDOSIS, BETA A, LYSOSOMAL; BETA-MANNOSIDASE DEFICIENCY; LYSOSOMAL BETA-MANNOSIDASE DEFICIENCY; Beta-Mannosidosis. Identifiers: Orphanet 118, MedGen C4048196, MONDO:0009562, OMIM 248510.

gnomAD v4.1: 5 of 1,608,670 alleles (0.00031%); highest among the groups gnomAD compares: Admixed American, 0.0083%; no homozygotes.

Submissions (3):

Variantyx, Inc.
Classification: Likely pathogenic for Beta-D-mannosidosis. Last evaluated: 2025-12-11. Review status: criteria provided, single submitter. Criteria: Variantyx Assertion Criteria 2022. Collection method: clinical testing. Allele origin: germline. Inheritance: Autosomal recessive inheritance. Affected: yes.
Comment: This is a nonsynonymous variant in the MANBA gene (OMIM: 609489). Pathogenic variants in this gene have been associated with autosomal recessive beta mannosidosis (PMID: 2079835, 9384606). Functional studies have shown that this variant alters MANBA protein function (Greenwood Genetic Center, enzyme activity measurement from patient leukocytes, personal communication) (PS3_Moderate). Multiple computational algorithms predict a deleterious effect for this variant (REVEL score: 0.933) (PP3). This variant has a 0.0083% maximum allele frequency in non-founder control populations (PM2). Based on the current evidence, this variant is classified as likely pathogenic for autosomal recessive beta mannosidosis.

PreventionGenetics, part of Exact Sciences
Classification: Uncertain significance for MANBA-related condition. Last evaluated: 2025-10-28. Review status: criteria provided, single submitter. Criteria: ACMG Guidelines, 2015. Collection method: clinical testing. Allele origin: germline.
Comment: The MANBA c.562T>G variant is predicted to result in the amino acid substitution p.Phe188Val. To our knowledge, this variant has not been reported in the literature. This variant is reported in 0.012% of alleles in individuals of Latino descent in gnomAD. At this time, the clinical significance of this variant is uncertain due to the absence of conclusive functional and genetic evidence.

GeneDx
Classification: Uncertain significance. Last evaluated: 2025-02-07. Review status: criteria provided, single submitter. Criteria: GeneDx Variant Classification Process June 2021. Collection method: clinical testing. Allele origin: germline. Affected: yes.
Comment: Not observed at significant frequency in large population cohorts (gnomAD); In silico analysis supports that this missense variant has a deleterious effect on protein structure/function; Has not been previously published as pathogenic or benign to our knowledge

Literature cited by the submitters: PubMed 2079835 (cited by Variantyx, Inc.); PubMed 9384606 (cited by Variantyx, Inc.).